The following is an entry in ClinVar:

ClinVar aggregate classification (germline): Pathogenic. Review status: criteria provided, multiple submitters, no conflicts (2 of 4 stars). 4 submissions from 4 submitters: Pathogenic (4). Last evaluated 2024-05-01.

Conditions:
Sotos syndrome (SOTOS). Also called: CEREBRAL GIGANTISM; Distinctive facial appearance, overgrowth in childhood, and learning disabilities or delayed development; CHROMOSOME 5q35 DELETION SYNDROME; SOTOS SYNDROME 1; Sotos' syndrome. Identifiers: Orphanet 821, MedGen C0175695, MONDO:0019349, OMIM 117550.

Submissions (4):

CeGaT Center for Human Genetics Tuebingen
Classification: Pathogenic. Last evaluated: 2024-05-01. Review status: criteria provided, single submitter. Criteria: CeGaT Center For Human Genetics Tuebingen Variant Classification Criteria Version 2. Collection method: clinical testing. Allele origin: germline. Affected: yes. Observed: 1 variant allele.
Comment: NSD1: PVS1, PM2, PS2:Moderate

3billion
Classification: Pathogenic for Sotos syndrome. Last evaluated: 2022-03-22. Review status: criteria provided, single submitter. Criteria: ACMG Guidelines, 2015. Collection method: clinical testing. Allele origin: germline. Affected: yes. Observed: 1 variant allele, 1 heterozygote.
Comment: Stop-gained (nonsense): predicted to result in a loss or disruption of normal protein function through nonsense-mediated decay (NMD) or protein truncation. Multiple pathogenic variants are reported downstream of the variant. This variant has been reported as pathogenic (ClinVar ID: VCV000816943, PMID:15942875). It is not observed in the gnomAD v2.1.1 dataset. Therefore, this variant is classified as pathogenic according to the recommendation of ACMG/AMP guideline.

Labcorp Genetics (formerly Invitae), Labcorp
Classification: Pathogenic. Last evaluated: 2022-01-15. Review status: criteria provided, single submitter. Criteria: Invitae Variant Classification Sherloc (09022015). Collection method: clinical testing. Allele origin: germline.
Comment: This sequence change creates a premature translational stop signal (p.Arg1766*) in the NSD1 gene. It is expected to result in an absent or disrupted protein product. Loss-of-function variants in NSD1 are known to be pathogenic (PMID: 12464997, 14571271, 15942875, 16247291). This variant is not present in population databases (gnomAD no frequency). This premature translational stop signal has been observed in individual(s) with Sotos syndrome (PMID: 15942875). ClinVar contains an entry for this variant (Variation ID: 816943). For these reasons, this variant has been classified as Pathogenic.

GeneDx
Classification: Pathogenic. Last evaluated: 2019-03-25. Review status: criteria provided, single submitter. Criteria: GeneDx Variant Classification (06012015). Collection method: clinical testing. Allele origin: germline. Affected: yes.
Comment: The R1766X variant in the NSD1 gene has been reported previously in association with Sotos syndrome; apparently de novo in one individual (Tatton-Brown et al., 2005; Saugier-Veber et al., 2007). This variant is predicted to cause loss of normal protein function either through protein truncation or nonsense-mediated mRNA decay. The R1766X variant is not observed in large population cohorts (Lek et al., 2016). We interpret R1766X as a pathogenic variant.

Literature cited by the submitters: PubMed 17565729 (cited by 3billion); PubMed 15942875 (cited by 3billion and Labcorp Genetics (formerly Invitae), Labcorp); PubMed 12464997 (cited by Labcorp Genetics (formerly Invitae), Labcorp); PubMed 14571271 (cited by Labcorp Genetics (formerly Invitae), Labcorp); PubMed 16247291 (cited by Labcorp Genetics (formerly Invitae), Labcorp).

NM_022455.5(NSD1):c.5296C>T (p.Arg1766Ter)

Gene: NSD1 (nuclear receptor binding SET domain protein 1; plus strand). Cytogenetic location: 5q35.3.
Variant type: single nucleotide variant.
Coding change: c.5296C>T on transcript NM_022455.5 (MANE Select); coding-DNA position 5296, C replaced by T.
Protein change: p.Arg1766Ter; replaces arginine 1766 with a stop codon.
Molecular consequence: nonsense.
Genome position (GRCh38, 1-based): chr5:177,267,711, C>T. VCF-style: chr5-177267711-C-T. GRCh37 (hg19) VCF-style: chr5-176694712-C-T.
Other names: c.4423C>T, p.Arg1475Ter (NM_001365684.2, NM_001409308.1, NM_001409309.1 and 1 more transcripts); c.5296C>T, p.Arg1766Ter (NM_001409301.1, NM_001409302.1, NM_001409303.1); c.4876C>T, p.Arg1626Ter (NM_001409304.1); c.4543C>T, p.Arg1515Ter (NM_001409305.1); c.4534C>T, p.Arg1512Ter (NM_001409306.1, NM_001409307.1); short protein forms R1497*, R1766*, R1515*, R1512*, R1475*, R1626*.
Identifiers: ClinVar variation 816943 (VCV000816943.26), dbSNP rs1581491984, ClinGen allele CA362306119.